The following is an entry in ClinVar:

NM_007294.4(BRCA1):c.4423G>T (p.Asp1475Tyr)

Gene: BRCA1 (BRCA1 DNA repair associated; minus strand). Cytogenetic location: 17q21.31.
Variant type: single nucleotide variant.
Coding change: c.4423G>T on transcript NM_007294.4 (MANE Select); coding-DNA position 4423, G replaced by T.
Protein change: p.Asp1475Tyr; replaces aspartic acid 1475 with tyrosine.
Molecular consequence: missense variant. On other transcripts: non-coding transcript variant (1).
Genome position (GRCh38, 1-based): chr17:43,076,549, C>A on the plus strand (G>T on the coding strand, the complement: BRCA1 is on the minus strand). VCF-style: chr17-43076549-C-A. GRCh37 (hg19) VCF-style: chr17-41228566-C-A.
Other names: c.4423G>T, p.Asp1475Tyr (NM_001407602.1, NM_001407603.1, NM_001407605.1 and 8 more transcripts); c.4420G>T, p.Asp1474Tyr (NM_001407610.1, NM_001407611.1, NM_001407612.1 and 17 more transcripts); c.4417G>T, p.Asp1473Tyr (NM_001407627.1, NM_001407628.1, NM_001407629.1 and 14 more transcripts); c.4414G>T, p.Asp1472Tyr (NM_001407645.1, NM_001407644.1); c.4411G>T, p.Asp1471Tyr (NM_001407646.1); c.4408G>T, p.Asp1470Tyr (NM_001407647.1); c.4366G>T, p.Asp1456Tyr (NM_001407648.1); c.4363G>T, p.Asp1455Tyr (NM_001407649.1); and 68 more; short protein forms D1475Y, D1496Y, D371Y, D1428Y, D1347Y, D1404Y, D1434Y, D1455Y.
Identifiers: ClinVar variation 234224 (VCV000234224.18), dbSNP rs876660940, ClinGen allele CA10580521.

ClinVar aggregate classification (germline): Uncertain significance. Review status: criteria provided, multiple submitters, no conflicts (2 of 4 stars). 3 submissions from 3 submitters: Uncertain significance (3). Last evaluated 2024-01-11.

Conditions:
Breast-ovarian cancer, familial, susceptibility to, 1 (BROVCA1). Also called: BRCA1 Hereditary Breast and Ovarian Cancer; OVARIAN CANCER, SUSCEPTIBILITY TO. Identifiers: Orphanet 145, MedGen C2676676, MONDO:0011450, OMIM 604370. Disease mechanism: loss of function.
Hereditary cancer-predisposing syndrome. Also called: Tumor predisposition; Hereditary Cancer Syndrome; Neoplastic Syndromes, Hereditary; Hereditary neoplastic syndrome. Identifiers: Orphanet 140162, MedGen C0027672, MeSH D009386, MONDO:0015356.
Hereditary breast ovarian cancer syndrome. Also called: Breast and ovarian cancer; Hereditary breast and ovarian cancer; Hereditary breast and ovarian cancer syndrome; Hereditary breast and/or ovarian cancer syndrome; BRCA1- and BRCA2-Associated Hereditary Breast and Ovarian Cancer; Hereditary breast and ovarian cancer syndrome (HBOC). Identifiers: Orphanet 145, MedGen C0677776, MeSH D061325, MONDO:0003582. Disease mechanism: loss of function.

Submissions (3):

All of Us Research Program, National Institutes of Health
Classification: Uncertain significance for Breast-ovarian cancer, familial, susceptibility to, 1. Last evaluated: 2024-01-11. Review status: criteria provided, single submitter. Criteria: ACMG Guidelines, 2015. Collection method: clinical testing. Allele origin: germline. Inheritance: Autosomal dominant inheritance. Observed: 1 variant allele, 1 heterozygote.
Comment: This study involves interpretation of variants in research participants for the purpose of population health screening. Participant phenotype was not available at the time of variant classification. Additional details can be found in publication PMID: 35346344, PMCID: PMC8962531

Ambry Genetics
Classification: Uncertain significance for Hereditary cancer-predisposing syndrome. Last evaluated: 2024-01-10. Review status: criteria provided, single submitter. Criteria: Ambry Variant Classification Scheme 2023. Collection method: clinical testing. Allele origin: germline.
Comment: The p.D1475Y variant (also known as c.4423G>T), located in coding exon 12 of the BRCA1 gene, results from a G to T substitution at nucleotide position 4423. The aspartic acid at codon 1475 is replaced by tyrosine, an amino acid with highly dissimilar properties. This alteration has been reported with a carrier frequency of 0 in 7,051 unselected breast cancer patients and 1 in 11,241 female controls of Japanese ancestry (Momozawa Y et al. Nat Commun, 2018 10;9:4083). This amino acid position is well conserved in available vertebrate species. In addition, the in silico prediction for this alteration is inconclusive. Since supporting evidence is limited at this time, the clinical significance of this alteration remains unclear.

Labcorp Genetics (formerly Invitae), Labcorp
Classification: Uncertain significance for Hereditary breast ovarian cancer syndrome. Last evaluated: 2022-10-04. Review status: criteria provided, single submitter. Criteria: Invitae Variant Classification Sherloc (09022015). Collection method: clinical testing. Allele origin: germline.
Comment: In summary, the available evidence is currently insufficient to determine the role of this variant in disease. Therefore, it has been classified as a Variant of Uncertain Significance. Algorithms developed to predict the effect of sequence changes on RNA splicing suggest that this variant may disrupt the consensus splice site. Advanced modeling of protein sequence and biophysical properties (such as structural, functional, and spatial information, amino acid conservation, physicochemical variation, residue mobility, and thermodynamic stability) performed at Invitae indicates that this missense variant is not expected to disrupt BRCA1 protein function. This sequence change replaces aspartic acid, which is acidic and polar, with tyrosine, which is neutral and polar, at codon 1475 of the BRCA1 protein (p.Asp1475Tyr). This variant is not present in population databases (gnomAD no frequency). This variant has not been reported in the literature in individuals affected with BRCA1-related conditions. ClinVar contains an entry for this variant (Variation ID: 234224).

Literature cited by the submitters: PubMed 30287823 (cited by Ambry Genetics).